The following is an entry in ClinVar:

NM_000093.5(COL5A1):c.731G>T (p.Cys244Phe)

Gene: COL5A1 (collagen type V alpha 1 chain; plus strand). Cytogenetic location: 9q34.3.
Variant type: single nucleotide variant.
Coding change: c.731G>T on transcript NM_000093.5 (MANE Select); coding-DNA position 731, G replaced by T.
Protein change: p.Cys244Phe; replaces cysteine 244 with phenylalanine.
Molecular consequence: missense variant.
Genome position (GRCh38, 1-based): chr9:134,727,342, G>T. VCF-style: chr9-134727342-G-T. GRCh37 (hg19) VCF-style: chr9-137619188-G-T.
Other names: c.731G>T, p.Cys244Phe (NM_001278074.1); short protein forms C244F.
Identifiers: ClinVar variation 4537332 (VCV004537332.1).
Genomic context (GRCh38, chr9:134,727,342, plus strand): 5'-TGCTCTTTGTCTCGGACCACCGGGCAGCTTATGATTACTGTGAGCACTACAGCCCTGACT[G>T]TGACACCGCAGTACCTGACACCCCACAGTCGCAGGACCCCAATCCAGATGAATATGTGAG-3'
Protein context (NP_000084.3, residues 234-254): YDYCEHYSPD[Cys244Phe]DTAVPDTPQS

ClinVar aggregate classification (germline): Uncertain significance (1 of 4 stars; one submission).

Submission:

Women's Health and Genetics/Laboratory Corporation of America, LabCorp
Classification: Uncertain significance. Last evaluated: 2025-11-18. Review status: criteria provided, single submitter. Criteria: LabCorp Variant Classification Summary - May 2015. Collection method: clinical testing. Allele origin: germline.
Comment: Variant summary: COL5A1 c.731G>T (p.Cys244Phe) results in a non-conservative amino acid change in the encoded protein sequence. Algorithms developed to predict the effect of missense changes on protein structure and function all suggest that this variant is likely to be disruptive. The variant was absent in 251486 control chromosomes. The available data on variant occurrences in the general population are insufficient to allow any conclusion about variant significance. To our knowledge, no occurrence of c.731G>T in individuals affected with COL5A1-related conditions and no experimental evidence demonstrating its impact on protein function have been reported. No submitters have cited clinical-significance assessments for this variant to ClinVar. Based on the evidence outlined above, the variant was classified as uncertain significance.